The following is an entry in ClinVar:

NM_000038.6(APC):c.531+1G>C

Gene: APC (APC regulator of Wnt signaling pathway; plus strand). Cytogenetic location: 5q22.2.
Variant type: single nucleotide variant.
Coding change: c.531+1G>C on transcript NM_000038.6 (MANE Select); the canonical splice donor site of the intron after coding-DNA position 531, G replaced by C.
Molecular consequence: splice donor variant.
Genome position (GRCh38, 1-based): chr5:112,775,738, G>C. VCF-style: chr5-112775738-G-C. GRCh37 (hg19) VCF-style: chr5-112111435-G-C.
Other names: c.-505+1G>C (NM_001407470.1, NM_001407472.1, NM_001354906.2 and 1 more transcripts); c.531+1G>C (NM_001407447.1, NM_001354895.2, NM_001407456.1 and 16 more transcripts); c.561+1G>C (NM_001407446.1, NM_001354897.2, NM_001354902.2 and 1 more transcripts); c.354+1G>C (NM_001407453.1, NM_001354900.2, NM_001354901.2 and 1 more transcripts); c.456+1G>C (NM_001407451.1, NM_001354898.2, NM_001354904.2).
Identifiers: ClinVar variation 232758 (VCV000232758.29), dbSNP rs876659973, ClinGen allele CA10578295.

ClinVar aggregate classification (germline): Pathogenic/Likely pathogenic. Review status: criteria provided, multiple submitters, no conflicts (2 of 4 stars). 9 submissions from 9 submitters: Pathogenic (6); Likely pathogenic (2). 1 of the submissions does not count toward it. Last evaluated 2026-02-06.

Conditions:
APC-related disorder. Also called: APC-related condition.
Hereditary cancer-predisposing syndrome. Also called: Neoplastic Syndromes, Hereditary; Hereditary Cancer Syndrome; Tumor predisposition; Hereditary neoplastic syndrome. Identifiers: Orphanet 140162, MedGen C0027672, MeSH D009386, MONDO:0015356.
Familial multiple polyposis syndrome (FAP). Also called: Familial Adenomatous Polyposis (FAP); Familial polyposis; Classic familial adenomatous polyposis; Familial adenomatous polyposis; Familial intestinal polyposis. Identifiers: Orphanet 733, MedGen C0032580, MONDO:0021055. Disease mechanism: loss of function.
Familial adenomatous polyposis 1 (FAP1). Also called: FAMILIAL ADENOMATOUS POLYPOSIS 1, ATTENUATED; POLYPOSIS, ADENOMATOUS INTESTINAL. Identifiers: MedGen C2713442, MONDO:0021056, OMIM 175100. Disease mechanism: loss of function.

Submissions (9):

Women's Health and Genetics/Laboratory Corporation of America, LabCorp
Classification: Pathogenic for Familial multiple polyposis syndrome. Last evaluated: 2026-02-06. Review status: criteria provided, single submitter. Criteria: LabCorp Variant Classification Summary - May 2015. Collection method: clinical testing. Allele origin: germline.
Comment: Variant summary: APC c.531+1G>C is located in a canonical splice-site and is predicted to affect mRNA splicing resulting in a significantly altered protein due to either exon skipping, shortening, or inclusion of intronic material. Variants that disrupt the consensus splice site are a relatively common cause of aberrant splicing and loss of APC function. Several computational tools predict a significant impact on normal splicing: Three predict the variant abolishes a 5' splicing donor site. However, these predictions have yet to be confirmed by functional studies. The variant was absent in 232438 control chromosomes. c.531+1G>C has been observed in individuals affected with Familial Adenomatous Polyposis (Lee_2022, Zhou_2026). To our knowledge, no experimental evidence demonstrating an impact on protein function has been reported. A same splice site variant, c.531+1G>C has been reported in individuals with Familial Adenomatous Polyposis and has been classified as pathogenic by our own lab. The following publications have been ascertained in the context of this evaluation (PMID: 35189564, 41064934). ClinVar contains an entry for this variant (Variation ID: 232758). Based on the evidence outlined above, the variant was classified as pathogenic.

Labcorp Genetics (formerly Invitae), Labcorp
Classification: Pathogenic for Familial adenomatous polyposis 1. Last evaluated: 2025-10-30. Review status: criteria provided, single submitter. Criteria: Invitae Variant Classification Sherloc (09022015). Collection method: clinical testing. Allele origin: germline.
Comment: This sequence change affects a donor splice site in intron 5 of the APC gene. RNA analysis indicates that disruption of this splice site induces altered splicing and may result in an absent or altered protein product. This variant is not present in population databases (gnomAD no frequency). Disruption of this splice site has been observed in individuals with clinical features of familial adenomatous polyposis (PMID: 12010888, 15459959, 17411426, 20924072, 20977806, 22987206, 31113927). ClinVar contains an entry for this variant (Variation ID: 232758). Studies have shown that disruption of this splice site results in skipping of exon 5 (also known as exon 4 in the literature), and produces a non-functional protein and/or introduces a premature termination codon (PMID: 15459959; internal data). For these reasons, this variant has been classified as Pathogenic.

GeneDx
Classification: Pathogenic. Last evaluated: 2025-06-05. Review status: criteria provided, single submitter. Criteria: GeneDx Variant Classification Process June 2021. Collection method: clinical testing. Allele origin: germline. Affected: yes.
Comment: Canonical splice site variant predicted to result in a null allele in a gene for which loss of function is a known mechanism of disease; Not observed at significant frequency in large population cohorts (gnomAD); This variant is associated with the following publications: (PMID: 15459959, 35189564, 12010888)

Ambry Genetics
Classification: Pathogenic for Hereditary cancer-predisposing syndrome. Last evaluated: 2025-05-19. Review status: criteria provided, single submitter. Criteria: Ambry Variant Classification Scheme 2023. Collection method: clinical testing. Allele origin: germline.
Comment: The c.531+1G>C intronic pathogenic mutation results from a G to C substitution one nucleotide after coding exon 4 of the APC gene. This alteration has been observed in multiple individuals with a personal and/or family history that is consistent with APC-related familial adenomatous polyposis (Ambry internal data). RNA studies have demonstrated that this alteration results in abnormal splicing in the set of samples tested (Ambry internal data). This variant is considered to be rare based on population cohorts in the Genome Aggregation Database (gnomAD). This nucleotide position is highly conserved in available vertebrate species. In silico splice site analysis predicts that this alteration will weaken the native splice donor site. Based on the supporting evidence, this alteration is interpreted as a disease-causing mutation.

Myriad Genetics, Inc.
Classification: Pathogenic for Familial adenomatous polyposis 1. Last evaluated: 2023-02-16. Review status: criteria provided, single submitter. Criteria: Myriad Autosomal Dominant, Autosomal Recessive and X-Linked Classification Criteria (2023). Collection method: clinical testing. Allele origin: unknown.
Comment: This variant is considered pathogenic. This variant occurs within a consensus splice junction and is predicted to result in abnormal mRNA splicing of either an out-of-frame exon or an in-frame exon necessary for protein stability and/or normal function. Functional studies indicate this variant impacts protein function [PMID:12010888].

Baylor Genetics
Classification: Likely pathogenic for Familial adenomatous polyposis 1. Last evaluated: 2022-07-31. Review status: criteria provided, single submitter. Criteria: ACMG Guidelines, 2015. Collection method: clinical testing. Allele origin: unknown.

Blueprint Genetics
Classification: Likely pathogenic for APC-related disorders. Last evaluated: 2020-04-07. Review status: criteria provided, single submitter. Criteria: ACMG Guidelines, 2015. Collection method: clinical testing. Allele origin: germline. Affected: yes. Observed: 1 variant allele.

Mayo Clinic Laboratories, Mayo Clinic
Classification: Pathogenic. Last evaluated: 2019-12-26. Review status: criteria provided, single submitter. Criteria: ACMG Guidelines, 2015. Collection method: clinical testing. Allele origin: germline. Observed: 1 variant allele.
Comment: PVS1, PM2, PP4

Counsyl
Classification: Likely pathogenic for Familial adenomatous polyposis 1. Last evaluated: 2016-05-18. Review status: no assertion criteria provided. Collection method: clinical testing. Allele origin: unknown. Not counted in ClinVar's aggregate classification.

Literature cited by the submitters: PubMed 35189564 (cited by Women's Health and Genetics/Laboratory Corporation of America, LabCorp); PubMed 41064934 (cited by Women's Health and Genetics/Laboratory Corporation of America, LabCorp); PubMed 12010888 (cited by 3 submitters); PubMed 15459959 (cited by Labcorp Genetics (formerly Invitae), Labcorp and Mayo Clinic Laboratories, Mayo Clinic); PubMed 17411426 (cited by Labcorp Genetics (formerly Invitae), Labcorp and Mayo Clinic Laboratories, Mayo Clinic); PubMed 20924072 (cited by Labcorp Genetics (formerly Invitae), Labcorp); PubMed 20977806 (cited by Labcorp Genetics (formerly Invitae), Labcorp); PubMed 22987206 (cited by Labcorp Genetics (formerly Invitae), Labcorp and Mayo Clinic Laboratories, Mayo Clinic); PubMed 31113927 (cited by Labcorp Genetics (formerly Invitae), Labcorp); PubMed 25525159 (cited by Mayo Clinic Laboratories, Mayo Clinic); PubMed 15131404 (cited by Mayo Clinic Laboratories, Mayo Clinic).